The following is an entry in ClinVar:

ClinVar aggregate classification (germline): Uncertain significance (1 of 4 stars; one submission).

Conditions:
Kabuki syndrome. Also called: NIIKAWA-KUROKI SYNDROME; Kabuki make-up syndrome. Identifiers: Orphanet 2322, MedGen C0796004, MONDO:0016512.

Submission:

Labcorp Genetics (formerly Invitae), Labcorp
Classification: Uncertain significance for Kabuki syndrome. Last evaluated: 2024-02-02. Review status: criteria provided, single submitter. Criteria: Invitae Variant Classification Sherloc (09022015). Collection method: clinical testing. Allele origin: germline.
Comment: This sequence change replaces histidine, which is basic and polar, with asparagine, which is neutral and polar, at codon 2882 of the KMT2D protein (p.His2882Asn). This variant is not present in population databases (gnomAD no frequency). This variant has not been reported in the literature in individuals affected with KMT2D-related conditions. Advanced modeling of protein sequence and biophysical properties (such as structural, functional, and spatial information, amino acid conservation, physicochemical variation, residue mobility, and thermodynamic stability) has been performed at Invitae for this missense variant, however the output from this modeling did not meet the statistical confidence thresholds required to predict the impact of this variant on KMT2D protein function. In summary, the available evidence is currently insufficient to determine the role of this variant in disease. Therefore, it has been classified as a Variant of Uncertain Significance.

NM_003482.4(KMT2D):c.8644C>A (p.His2882Asn)

Gene: KMT2D (lysine methyltransferase 2D; minus strand). Cytogenetic location: 12q13.12.
Variant type: single nucleotide variant.
Coding change: c.8644C>A on transcript NM_003482.4 (MANE Select); coding-DNA position 8644, C replaced by A.
Protein change: p.His2882Asn; replaces histidine 2882 with asparagine.
Molecular consequence: missense variant.
Genome position (GRCh38, 1-based): chr12:49,038,712, G>T on the plus strand (C>A on the coding strand, the complement: KMT2D is on the minus strand). VCF-style: chr12-49038712-G-T. GRCh37 (hg19) VCF-style: chr12-49432495-G-T.
Other names: short protein forms H2882N.
Identifiers: ClinVar variation 3635132 (VCV003635132.2).
Genomic context (GRCh38, chr12:49,038,712, plus strand): 5'-GAGGTGGGCCCTGACCAGGAAACGGAGTGCCCCCAGGTCCCAGTCCTTTCTGTACATTGT[G>T]CCGCAGCTCAATGAACTGGGCAGGACCAGCTGGACCAGGCACTGGCTCACCAGGGCCTGG-3'
Protein context (NP_003473.3, residues 2872-2892): AGPAQFIELR[His2882Asn]NVQKGLGPGG